The following is an entry in ClinVar:

ClinVar aggregate classification (germline): Benign/Likely benign. Review status: criteria provided, multiple submitters, no conflicts (2 of 4 stars). 3 submissions from 3 submitters: Benign (2); Likely benign (1). Last evaluated 2026-01-04.

Conditions:
Vitreoretinopathy. Also called: Vitreoretinal degeneration. Identifiers: MedGen C0344290, MONDO:0020248, HP:0007773.

Allele frequency attached by ClinVar (database versions not stated): gnomAD exomes 0.00003 and 0.00009; ExAC 0.00011; gnomAD 0.00039; TOPMed 0.00047; ESP Exome Variant Server 0.00062.
gnomAD v4.1: 102 of 1,614,016 alleles (0.0063%); highest among the groups gnomAD compares: African/African-American, 0.13%; no homozygotes.

Submissions (3):

Labcorp Genetics (formerly Invitae), Labcorp
Classification: Benign. Last evaluated: 2026-01-04. Review status: criteria provided, single submitter. Criteria: Invitae Variant Classification Sherloc (09022015). Collection method: clinical testing. Allele origin: germline.

Blueprint Genetics
Classification: Likely benign. Last evaluated: 2024-03-05. Review status: criteria provided, single submitter. Criteria: ACMG Guidelines, 2015. Collection method: clinical testing. Allele origin: germline.

Illumina Laboratory Services, Illumina
Classification: Benign for Vitreoretinopathy. Last evaluated: 2018-01-13. Review status: criteria provided, single submitter. Criteria: ICSL Variant Classification Criteria 13 December 2019. Collection method: clinical testing. Allele origin: germline.
Comment: This variant was observed in the ICSL laboratory as part of a predisposition screen in an ostensibly healthy population. It had not been previously curated by ICSL or reported in the Human Gene Mutation Database (HGMD: prior to June 1st, 2018), and was therefore a candidate for classification through an automated scoring system. Utilizing variant allele frequency, disease prevalence and penetrance estimates, and inheritance mode, an automated score was calculated to assess if this variant is too frequent to cause the disease. Based on the score and internal cut-off values, a variant classified as benign is not then subjected to further curation. The score for this variant resulted in a classification of benign for this disease.

NM_004385.5(VCAN):c.4272A>G (p.Pro1424=)

Genes: VCAN (versican; plus strand), VCAN-AS1 (VCAN antisense RNA 1; minus strand). Cytogenetic location: 5q14.3.
Variant type: single nucleotide variant.
Coding change: c.4272A>G on transcript NM_004385.5 (MANE Select); coding-DNA position 4272, A replaced by G.
Protein change: p.Pro1424=; no amino-acid change (proline 1424 retained).
Molecular consequence: synonymous variant. On other transcripts: intron variant (2).
Genome position (GRCh38, 1-based): chr5:83,537,275, A>G. VCF-style: chr5-83537275-A-G. GRCh37 (hg19) VCF-style: chr5-82833094-A-G.
Other names: c.1311A>G, p.Pro437= (NM_001164097.2); c.4004-8262A>G (NM_001164098.2); c.1043-8262A>G (NM_001126336.3).
Identifiers: ClinVar variation 354423 (VCV000354423.15), dbSNP rs150960939, ClinGen allele CA3333143.